The following is an entry in ClinVar:

ClinVar aggregate classification (germline): Uncertain significance (1 of 4 stars; one submission).

Allele frequency attached by ClinVar (database versions not stated): gnomAD 0.00001.

Submission:

Ambry Genetics
Classification: Uncertain significance. Last evaluated: 2021-12-18. Review status: criteria provided, single submitter. Criteria: Ambry Variant Classification Scheme 2023. Collection method: clinical testing. Allele origin: germline.
Comment: The p.N109S variant (also known as c.326A>G), located in coding exon 4 of the PRKDC gene, results from an A to G substitution at nucleotide position 326. The asparagine at codon 109 is replaced by serine, an amino acid with highly similar properties. This amino acid position is conserved. In addition, this alteration is predicted to be tolerated by in silico analysis. Since supporting evidence is limited at this time, the clinical significance of this alteration remains unclear.

NM_006904.7(PRKDC):c.326A>G (p.Asn109Ser)

Gene: PRKDC (protein kinase, DNA-activated, catalytic subunit; minus strand). Cytogenetic location: 8q11.21.
Variant type: single nucleotide variant.
Coding change: c.326A>G on transcript NM_006904.7 (MANE Select); coding-DNA position 326, A replaced by G.
Protein change: p.Asn109Ser; replaces asparagine 109 with serine.
Molecular consequence: missense variant.
Genome position (GRCh38, 1-based): chr8:47,955,947, T>C on the plus strand (A>G on the coding strand, the complement: PRKDC is on the minus strand). VCF-style: chr8-47955947-T-C. GRCh37 (hg19) VCF-style: chr8-48868507-T-C.
Other names: c.326A>G, p.Asn109Ser (NM_001081640.2); short protein forms N109S.
Identifiers: ClinVar variation 1729597 (VCV001729597.2), dbSNP rs2090693274, ClinGen allele CA371140586.
Genomic context (GRCh38, chr8:47,955,947, plus strand): 5'-TCCAGGGCTGGAATTTTACATTTAGCAGCTCTATCTTTTGTATAAACACTGGTACAAGTG[T>C]TCTAGGTTTTAAAAAAAAAATAACCAAAATCATCAATAAGATATAAAAACTAAGACTCAG-3'
Protein context (NP_008835.5, residues 99-119): KIAPYSVEIK[Asn109Ser]TCTSVYTKDR